The following is an entry in ClinVar:

NM_001292063.2(OTOG):c.8416-16G>A

Gene: OTOG (otogelin; plus strand). Cytogenetic location: 11p15.1.
Variant type: single nucleotide variant.
Coding change: c.8416-16G>A on transcript NM_001292063.2 (MANE Select); 16 bases into the intron before coding-DNA position 8416, G replaced by A.
Molecular consequence: intron variant.
Genome position (GRCh38, 1-based): chr11:17,643,445, G>A. VCF-style: chr11-17643445-G-A. GRCh37 (hg19) VCF-style: chr11-17664992-G-A.
Other names: c.8452-16G>A (NM_001277269.2).
Identifiers: ClinVar variation 1616483 (VCV001616483.34), dbSNP rs146753764, ClinGen allele CA5906287.
Genomic context (GRCh38, chr11:17,643,445, plus strand): 5'-TGTTTCTGGGATCTTGGCTCCCGGCCTGGACAGGGGTCTCCACACCTACCTACCTCCCCC[G>A]ACTTCCTCTCTCTAGGTTGGGGGTTCCGTGGTACCTTCCTTGGAAGGATGCTGCAGGACC-3'

ClinVar aggregate classification (germline): Benign/Likely benign. Review status: criteria provided, multiple submitters, no conflicts (2 of 4 stars). 4 submissions from 4 submitters: Benign (2); Likely benign (2). Last evaluated 2026-08-01.

Allele frequency attached by ClinVar (database versions not stated): gnomAD exomes 0.00407 and 0.00696; 1000 Genomes Project 30x 0.00453; 1000 Genomes Project 0.00479; TOPMed 0.00519; gnomAD 0.00537 and 0.00550; ExAC 0.00940.
gnomAD v4.1: 9,741 of 1,430,682 alleles (0.68%); highest among the groups gnomAD compares: Middle Eastern, 2%; 45 homozygotes.

Submissions (4):

CeGaT Center for Human Genetics Tuebingen
Classification: Likely benign. Last evaluated: 2026-08-01. Review status: criteria provided, single submitter. Criteria: CeGaT Center For Human Genetics Tuebingen Variant Classification Criteria Version 2. Collection method: clinical testing. Allele origin: germline. Affected: yes. Observed: 5 variant alleles.
Comment: OTOG: BS2

Labcorp Genetics (formerly Invitae), Labcorp
Classification: Benign. Last evaluated: 2026-02-01. Review status: criteria provided, single submitter. Criteria: Invitae Variant Classification Sherloc (09022015). Collection method: clinical testing. Allele origin: germline.

Blueprint Genetics
Classification: Likely benign. Last evaluated: 2024-11-21. Review status: criteria provided, single submitter. Criteria: ACMG Guidelines, 2015. Collection method: clinical testing. Allele origin: germline.

Breakthrough Genomics
Classification: Benign. Review status: criteria provided, single submitter. Criteria: ACMG Guidelines, 2015. Collection method: not provided. Allele origin: germline. Inheritance: Autosomal recessive inheritance. Affected: yes.